The following is an entry in ClinVar:

ClinVar aggregate classification (germline): Uncertain significance. Review status: criteria provided, multiple submitters, no conflicts (2 of 4 stars). 2 submissions from 2 submitters: Uncertain significance (2). Last evaluated 2025-07-09.

Conditions:
Epidermolysis bullosa simplex with nail dystrophy (EBS5D). Identifiers: MedGen C4225309, MONDO:0014661, OMIM 616487.
Epidermolysis bullosa simplex, Ogna type (EBS5A). Also called: Pidermolysis bullosa simplex 5A, Ogna type; EPIDERMOLYSIS BULLOSA SIMPLEX 5A, OGNA TYPE. Identifiers: Orphanet 79401, MedGen C0432317, MONDO:0007555, OMIM 131950.
Autosomal recessive limb-girdle muscular dystrophy type 2Q (LGMDR17). Also called: MUSCULAR DYSTROPHY, LIMB-GIRDLE, AUTOSOMAL RECESSIVE 17. Identifiers: Orphanet 254361, MedGen C3150989, MONDO:0013390, OMIM 613723.
Epidermolysis bullosa simplex 5B, with muscular dystrophy (EBS5B). Also called: EPIDERMOLYSIS BULLOSA SIMPLEX AND LIMB-GIRDLE MUSCULAR DYSTROPHY; Epidermolysis bullosa simplex with muscular dystrophy. Identifiers: Orphanet 257, MedGen C2931072, MONDO:0009181, OMIM 226670.
Epidermolysis bullosa simplex 5C, with pyloric atresia (EBS5C). Also called: PLEC-Related Epidermolysis Bullosa with Pyloric Atresia; Epidermolysis bullosa simplex with pyloric atresia; PLEC1-Related Epidermolysis Bullosa with Pyloric Atresia. Identifiers: Orphanet 158684, MedGen C2677349, MONDO:0012807, OMIM 612138.

Allele frequency attached by ClinVar (database versions not stated): gnomAD exomes below 0.00001; ExAC 0.00001; gnomAD 0.00002; TOPMed 0.00004; ESP Exome Variant Server 0.00008.
gnomAD v4.1: 4 of 1,612,868 alleles (0.00025%); highest among the groups gnomAD compares: African/African-American, 0.0053%; no homozygotes.

Submissions (2):

Labcorp Genetics (formerly Invitae), Labcorp
Classification: Uncertain significance for Autosomal recessive limb-girdle muscular dystrophy type 2Q; Epidermolysis bullosa simplex, Ogna type; Epidermolysis bullosa simplex with nail dystrophy; Epidermolysis bullosa simplex 5C, with pyloric atresia; Epidermolysis bullosa simplex 5B, with muscular dystrophy. Last evaluated: 2025-07-09. Review status: criteria provided, single submitter. Criteria: Invitae Variant Classification Sherloc (09022015). Collection method: clinical testing. Allele origin: germline.
Comment: This sequence change replaces glycine, which is neutral and non-polar, with serine, which is neutral and polar, at codon 3469 of the PLEC protein (p.Gly3469Ser). This variant is present in population databases (rs374003723, gnomAD 0.007%). This variant has not been reported in the literature in individuals affected with PLEC-related conditions. ClinVar contains an entry for this variant (Variation ID: 2949116). Invitae Evidence Modeling of protein sequence and biophysical properties (such as structural, functional, and spatial information, amino acid conservation, physicochemical variation, residue mobility, and thermodynamic stability) indicates that this missense variant is not expected to disrupt PLEC protein function with a negative predictive value of 80%. In summary, the available evidence is currently insufficient to determine the role of this variant in disease. Therefore, it has been classified as a Variant of Uncertain Significance.

Fulgent Genetics
Classification: Uncertain significance for Epidermolysis bullosa simplex, Ogna type; Epidermolysis bullosa simplex 5B, with muscular dystrophy; Epidermolysis bullosa simplex 5C, with pyloric atresia; Autosomal recessive limb-girdle muscular dystrophy type 2Q; Epidermolysis bullosa simplex with nail dystrophy. Last evaluated: 2023-12-29. Review status: criteria provided, single submitter. Criteria: ACMG Guidelines, 2015. Collection method: clinical testing. Allele origin: germline.

NM_201384.3(PLEC):c.10324G>A (p.Gly3442Ser)

Gene: PLEC (plectin; minus strand). Cytogenetic location: 8q24.3.
Variant type: single nucleotide variant.
Coding change: c.10324G>A on transcript NM_201384.3 (MANE Select); coding-DNA position 10324, G replaced by A.
Protein change: p.Gly3442Ser; replaces glycine 3442 with serine.
Molecular consequence: missense variant.
Genome position (GRCh38, 1-based): chr8:143,919,497, C>T on the plus strand (G>A on the coding strand, the complement: PLEC is on the minus strand). VCF-style: chr8-143919497-C-T. GRCh37 (hg19) VCF-style: chr8-144993665-C-T.
Other names: c.10405G>A, p.Gly3469Ser (NM_000445.5); c.7024G>A, p.Gly2342Ser (NM_001410941.1); c.10282G>A, p.Gly3428Ser (NM_201378.4); c.10258G>A, p.Gly3420Ser (NM_201379.3); c.10735G>A, p.Gly3579Ser (NM_201380.4); c.10228G>A, p.Gly3410Ser (NM_201381.3); c.10324G>A, p.Gly3442Ser (NM_201382.4); c.10336G>A, p.Gly3446Ser (NM_201383.3); short protein forms G2342S, G3410S, G3420S, G3469S, G3428S, G3442S, G3579S, G3446S.
Identifiers: ClinVar variation 2949116 (VCV002949116.4), dbSNP rs374003723, ClinGen allele CA4924684.
Genomic context (GRCh38, chr8:143,919,497, plus strand): 5'-TGCCGTGCTGCCGGAGAACCAGGCCCTTCTGCATGGCCTGGAAGAGGGAGATGGTGCTGC[C>T]CGAGTAGGGGTCTCTGTAGCCGGTGACGGCCTTCTCGGCAGACAGCAGCTGCTCGTGAAG-3'
Protein context (NP_958786.1, residues 3432-3452): AVTGYRDPYS[Gly3442Ser]STISLFQAMQ